The following is an entry in ClinVar:

NM_000426.4(LAMA2):c.1798G>A (p.Gly600Arg)

Gene: LAMA2 (laminin subunit alpha 2; plus strand). Cytogenetic location: 6q22.33.
Variant type: single nucleotide variant.
Coding change: c.1798G>A on transcript NM_000426.4 (MANE Select); coding-DNA position 1798, G replaced by A.
Protein change: p.Gly600Arg; replaces glycine 600 with arginine.
Molecular consequence: missense variant.
Genome position (GRCh38, 1-based): chr6:129,250,127, G>A. VCF-style: chr6-129250127-G-A. GRCh37 (hg19) VCF-style: chr6-129571272-G-A.
Other names: c.1798G>A, p.Gly600Arg (NM_001079823.2); short protein forms G600R.
Identifiers: ClinVar variation 92941 (VCV000092941.62), dbSNP rs36044314, ClinGen allele CA248661.

ClinVar aggregate classification (germline): Benign/Likely benign. Review status: criteria provided, multiple submitters, no conflicts (2 of 4 stars). 14 submissions from 14 submitters: Benign (6); Likely benign (4). 4 of the submissions do not count toward it. Last evaluated 2026-08-01.

Conditions:
LAMA2-related muscular dystrophy (LAMA2-RD). Also called: Laminin alpha 2-related dystrophy. Identifiers: MedGen C5679788, MONDO:0100228.
Congenital muscular dystrophy due to partial LAMA2 deficiency. Identifiers: MedGen C1842898.

Allele frequency attached by ClinVar (database versions not stated): 1000 Genomes Project 30x 0.00859; 1000 Genomes Project 0.00958; TOPMed 0.01235; gnomAD 0.01250 and 0.01278; ExAC 0.01322; gnomAD exomes 0.01385 and 0.01828; ESP Exome Variant Server 0.01461.
gnomAD v4.1: 28,346 of 1,601,344 alleles (1.8%); highest among the groups gnomAD compares: Middle Eastern, 2%; 329 homozygotes.

Submissions (14):

CeGaT Center for Human Genetics Tuebingen
Classification: Benign. Last evaluated: 2026-08-01. Review status: criteria provided, single submitter. Criteria: CeGaT Center For Human Genetics Tuebingen Variant Classification Criteria Version 2. Collection method: clinical testing. Allele origin: germline. Affected: yes. Observed: 80 variant alleles.
Comment: LAMA2: BS1, BS2

Labcorp Genetics (formerly Invitae), Labcorp
Classification: Benign for LAMA2-related muscular dystrophy. Last evaluated: 2026-02-04. Review status: criteria provided, single submitter. Criteria: Invitae Variant Classification Sherloc (09022015). Collection method: clinical testing. Allele origin: germline.

Genomic Medicine Center of Excellence, King Faisal Specialist Hospital and Research Centre
Classification: Likely benign. Last evaluated: 2025-08-18. Review status: criteria provided, single submitter. Criteria: ACMG Guidelines, 2015. Collection method: clinical testing. Allele origin: germline.

Women's Health and Genetics/Laboratory Corporation of America, LabCorp
Classification: Likely benign. Last evaluated: 2022-02-18. Review status: criteria provided, single submitter. Criteria: LabCorp Variant Classification Summary - May 2015. Collection method: clinical testing. Allele origin: germline.

Mayo Clinic Laboratories, Mayo Clinic
Classification: Benign. Last evaluated: 2019-03-04. Review status: criteria provided, single submitter. Criteria: ACMG Guidelines, 2015. Collection method: clinical testing. Allele origin: germline. Observed: 116 variant alleles.

Illumina Laboratory Services, Illumina
Classification: Likely benign for Congenital muscular dystrophy due to partial LAMA2 deficiency. Last evaluated: 2018-01-13. Review status: criteria provided, single submitter. Criteria: ICSL Variant Classification Criteria 13 December 2019. Collection method: clinical testing. Allele origin: germline.
Comment: This variant was observed in the ICSL laboratory as part of a predisposition screen in an ostensibly healthy population. It had not been previously curated by ICSL or reported in the Human Gene Mutation Database (HGMD: prior to June 1st, 2018), and was therefore a candidate for classification through an automated scoring system. Utilizing variant allele frequency, disease prevalence and penetrance estimates, and inheritance mode, an automated score was calculated to assess if this variant is too frequent to cause the disease. Based on the score and internal cut-off values, a variant classified as likely benign is not then subjected to further curation. The score for this variant resulted in a classification of likely benign for this disease.

Genomic Diagnostic Laboratory, Division of Genomic Diagnostics, Children's Hospital of Philadelphia
Classification: Benign. Last evaluated: 2015-02-19. Review status: criteria provided, single submitter. Criteria: DGD Variant Analysis Guidelines. Collection method: clinical testing. Allele origin: unknown.

Eurofins Ntd Llc (ga)
Classification: Benign. Last evaluated: 2013-02-08. Review status: criteria provided, single submitter. Criteria: EGL Classification Definitions 2015. Collection method: clinical testing. Allele origin: germline. Observed: 5 variant alleles, 4 heterozygotes, 1 homozygote.

Breakthrough Genomics
Classification: Likely benign. Review status: criteria provided, single submitter. Criteria: ACMG Guidelines, 2015. Collection method: not provided. Allele origin: germline. Inheritance: Autosomal recessive inheritance. Affected: yes.

PreventionGenetics, part of Exact Sciences
Classification: Benign. Review status: criteria provided, single submitter. Criteria: ACMG Guidelines, 2015. Collection method: clinical testing. Allele origin: germline.

Clinical Genetics, Academic Medical Center
Classification: Likely benign. Review status: no assertion criteria provided. Collection method: clinical testing. Allele origin: germline. Affected: yes. Study: VKGL Data-share Consensus. Not counted in ClinVar's aggregate classification.

Genetic Services Laboratory, University of Chicago
Classification: Likely benign for AllHighlyPenetrant. Review status: no assertion criteria provided. Collection method: clinical testing. Allele origin: germline. Inheritance: Autosomal recessive inheritance. Not counted in ClinVar's aggregate classification.
Comment: Likely benign based on allele frequency in 1000 Genomes Project or ESP global frequency and its presence in a patient with a rare or unrelated disease phenotype. NOT Sanger confirmed.

Genome Diagnostics Laboratory, University Medical Center Utrecht
Classification: Benign. Review status: no assertion criteria provided. Collection method: clinical testing. Allele origin: germline. Affected: yes. Study: VKGL Data-share Consensus. Not counted in ClinVar's aggregate classification.

Laboratory of Diagnostic Genome Analysis, Leiden University Medical Center (LUMC)
Classification: Likely benign. Review status: no assertion criteria provided. Collection method: clinical testing. Allele origin: germline. Affected: yes. Study: VKGL Data-share Consensus. Not counted in ClinVar's aggregate classification.